The following is an entry in ClinVar:

ClinVar aggregate classification (germline): Uncertain significance. Review status: criteria provided, multiple submitters, no conflicts (2 of 4 stars). 2 submissions from 2 submitters: Uncertain significance (2). Last evaluated 2023-10-17.

Conditions:
Autosomal dominant Parkinson disease 8. Also called: LRRK2-Related Parkinson Disease; Parkinson disease 8; Parkinson disease 8, susceptibility to. Identifiers: Orphanet 411602, MedGen C1846862, MONDO:0011764, OMIM 607060.
Inborn genetic diseases. Identifiers: MedGen C0950123, MeSH D030342.

gnomAD v4.1: 2 of 1,613,248 alleles (0.00012%); highest among the groups gnomAD compares: Non-Finnish European, 0.00017%; no homozygotes.

Submissions (2):

Labcorp Genetics (formerly Invitae), Labcorp
Classification: Uncertain significance for Autosomal dominant Parkinson disease 8. Last evaluated: 2023-10-17. Review status: criteria provided, single submitter. Criteria: Invitae Variant Classification Sherloc (09022015). Collection method: clinical testing. Allele origin: germline.
Comment: This sequence change replaces histidine, which is basic and polar, with leucine, which is neutral and non-polar, at codon 967 of the LRRK2 protein (p.His967Leu). This variant is not present in population databases (gnomAD no frequency). This variant has not been reported in the literature in individuals affected with LRRK2-related conditions. ClinVar contains an entry for this variant (Variation ID: 1797448). Advanced modeling of protein sequence and biophysical properties (such as structural, functional, and spatial information, amino acid conservation, physicochemical variation, residue mobility, and thermodynamic stability) performed at Invitae indicates that this missense variant is not expected to disrupt LRRK2 protein function. In summary, the available evidence is currently insufficient to determine the role of this variant in disease. Therefore, it has been classified as a Variant of Uncertain Significance.

Ambry Genetics
Classification: Uncertain significance for Inborn genetic diseases. Last evaluated: 2023-06-30. Review status: criteria provided, single submitter. Criteria: Ambry Variant Classification Scheme 2023. Collection method: clinical testing. Allele origin: germline.
Comment: The p.H967L variant (also known as c.2900A>T), located in coding exon 23 of the LRRK2 gene, results from an A to T substitution at nucleotide position 2900. The histidine at codon 967 is replaced by leucine, an amino acid with similar properties. This amino acid position is conserved. In addition, this alteration is predicted to be tolerated by in silico analysis. Since supporting evidence is limited at this time, the clinical significance of this alteration remains unclear.

NM_198578.4(LRRK2):c.2900A>T (p.His967Leu)

Gene: LRRK2 (leucine rich repeat kinase 2; plus strand). Cytogenetic location: 12q12.
Variant type: single nucleotide variant.
Coding change: c.2900A>T on transcript NM_198578.4 (MANE Select); coding-DNA position 2900, A replaced by T.
Protein change: p.His967Leu; replaces histidine 967 with leucine.
Molecular consequence: missense variant.
Genome position (GRCh38, 1-based): chr12:40,295,448, A>T. VCF-style: chr12-40295448-A-T. GRCh37 (hg19) VCF-style: chr12-40689250-A-T.
Other names: short protein forms H967L.
Identifiers: ClinVar variation 1797448 (VCV001797448.8), dbSNP rs533409083, ClinGen allele CA384412458.